The following is an entry in ClinVar:

NM_014314.4(RIGI):c.1396C>T (p.Arg466Trp)

Gene: RIGI (RNA sensor RIG-I; minus strand). Cytogenetic location: 9p21.1.
Variant type: single nucleotide variant.
Coding change: c.1396C>T on transcript NM_014314.4 (MANE Select); coding-DNA position 1396, C replaced by T.
Protein change: p.Arg466Trp; replaces arginine 466 with tryptophan.
Molecular consequence: missense variant.
Genome position (GRCh38, 1-based): chr9:32,485,259, G>A on the plus strand (C>T on the coding strand, the complement: RIGI is on the minus strand). VCF-style: chr9-32485259-G-A. GRCh37 (hg19) VCF-style: chr9-32485257-G-A.
Other names: c.1390C>T, p.Arg464Trp (NM_001385907.1); c.1396C>T, p.Arg466Trp (NM_001385909.1); c.955C>T, p.Arg319Trp (NM_001385910.1); c.787C>T, p.Arg263Trp (NM_001385912.1); c.1381C>T, p.Arg461Trp (NM_001385913.1); c.952C>T, p.Arg318Trp (NM_001385914.1); short protein forms R319W, R464W, R318W, R263W, R461W, R466W.
Identifiers: ClinVar variation 1440359 (VCV001440359.7), dbSNP rs769162572, ClinGen allele CA5019811.

ClinVar aggregate classification (germline): Conflicting classifications of pathogenicity. Review status: criteria provided, conflicting classifications (1 of 4 stars). 2 submissions from 2 submitters: Uncertain significance (1); Likely benign (1). Last evaluated 2025-02-26.

Allele frequency attached by ClinVar (database versions not stated): TOPMed 0.00002; gnomAD 0.00003; ExAC 0.00005; gnomAD exomes 0.00006.
gnomAD v4.1: 47 of 1,599,786 alleles (0.0029%); highest among the groups gnomAD compares: South Asian, 0.0068%; no homozygotes.

Submissions (2):

Labcorp Genetics (formerly Invitae), Labcorp
Classification: Uncertain significance. Last evaluated: 2025-02-26. Review status: criteria provided, single submitter. Criteria: Invitae Variant Classification Sherloc (09022015). Collection method: clinical testing. Allele origin: germline.
Comment: This sequence change replaces arginine, which is basic and polar, with tryptophan, which is neutral and slightly polar, at codon 466 of the DDX58 protein (p.Arg466Trp). This variant is present in population databases (rs769162572, gnomAD 0.01%). This variant has not been reported in the literature in individuals affected with DDX58-related conditions. ClinVar contains an entry for this variant (Variation ID: 1440359). Invitae Evidence Modeling of protein sequence and biophysical properties (such as structural, functional, and spatial information, amino acid conservation, physicochemical variation, residue mobility, and thermodynamic stability) indicates that this missense variant is expected to disrupt DDX58 protein function with a positive predictive value of 80%. In summary, the available evidence is currently insufficient to determine the role of this variant in disease. Therefore, it has been classified as a Variant of Uncertain Significance.

Blueprint Genetics
Classification: Likely benign. Last evaluated: 2024-11-26. Review status: criteria provided, single submitter. Criteria: ACMG Guidelines, 2015. Collection method: clinical testing. Allele origin: germline.